The following is an entry in ClinVar:

NM_031475.3(ESPN):c.2486C>T (p.Thr829Met)

Gene: ESPN (espin; plus strand). Cytogenetic location: 1p36.31.
Variant type: single nucleotide variant.
Coding change: c.2486C>T on transcript NM_031475.3 (MANE Select); coding-DNA position 2486, C replaced by T.
Protein change: p.Thr829Met; replaces threonine 829 with methionine.
Molecular consequence: missense variant.
Genome position (GRCh38, 1-based): chr1:6,460,067, C>T. VCF-style: chr1-6460067-C-T. GRCh37 (hg19) VCF-style: chr1-6520127-C-T.
Other names: c.2396C>T, p.Thr799Met (NM_001367473.1); c.2423C>T, p.Thr808Met (NM_001367474.1); short protein forms T829M, T799M, T808M.
Identifiers: ClinVar variation 449866 (VCV000449866.16), dbSNP rs147707189, ClinGen allele CA560540.

ClinVar aggregate classification (germline): Conflicting classifications of pathogenicity. Review status: criteria provided, conflicting classifications (1 of 4 stars). 7 submissions from 7 submitters: Uncertain significance (1); Likely benign (5). 1 of the submissions does not count toward it. Last evaluated 2025-12-26.

Conditions:
ESPN-related disorder. Also called: ESPN-related condition.
Inborn genetic diseases. Identifiers: MedGen C0950123, MeSH D030342.

Allele frequency attached by ClinVar (database versions not stated): gnomAD exomes 0.00005 and 0.00015; ExAC 0.00021; gnomAD 0.00075 and 0.00080; TOPMed 0.00079; ESP Exome Variant Server 0.00100; 1000 Genomes Project 30x 0.00016; 1000 Genomes Project 0.00020.
gnomAD v4.1: 191 of 1,613,512 alleles (0.012%); highest among the groups gnomAD compares: African/African-American, 0.22%; 1 homozygote.

Submissions (7):

Women's Health and Genetics/Laboratory Corporation of America, LabCorp
Classification: Likely benign. Last evaluated: 2025-12-26. Review status: criteria provided, single submitter. Criteria: LabCorp Variant Classification Summary - May 2015. Collection method: clinical testing. Allele origin: germline.
Comment: Variant summary: ESPN c.2486C>T (p.Thr829Met) results in a non-conservative amino acid change in the encoded protein sequence. Algorithms developed to predict the effect of missense changes on protein structure and function all suggest that this variant is likely to be disruptive. The variant allele was found at a frequency of 0.00022 in 281720 control chromosomes, predominantly at a frequency of 0.0025 within the African or African-American subpopulation in the gnomAD database. The observed variant frequency within African or African-American control individuals in the gnomAD database exceeds the estimated maximal expected allele frequency for disease-causing variants in ESPN. To our knowledge, no occurrence of c.2486C>T in individuals affected with ESPN-related conditions and no experimental evidence demonstrating its impact on protein function have been reported. ClinVar contains an entry for this variant (Variation ID: 449866). Based on the evidence outlined above, the variant was classified as likely benign.

Labcorp Genetics (formerly Invitae), Labcorp
Classification: Likely benign. Last evaluated: 2025-12-02. Review status: criteria provided, single submitter. Criteria: Invitae Variant Classification Sherloc (09022015). Collection method: clinical testing. Allele origin: germline.

Blueprint Genetics
Classification: Likely benign. Last evaluated: 2024-07-19. Review status: criteria provided, single submitter. Criteria: ACMG Guidelines, 2015. Collection method: clinical testing. Allele origin: germline.

Ambry Genetics
Classification: Uncertain significance for Inborn genetic diseases. Last evaluated: 2021-10-22. Review status: criteria provided, single submitter. Criteria: Ambry Variant Classification Scheme 2023. Collection method: clinical testing. Allele origin: germline.

GeneDx
Classification: Likely benign. Last evaluated: 2018-03-30. Review status: criteria provided, single submitter. Criteria: GeneDx Variant Classification Process June 2021. Collection method: clinical testing. Allele origin: germline. Affected: yes.

Breakthrough Genomics
Classification: Likely benign. Review status: criteria provided, single submitter. Criteria: ACMG Guidelines, 2015. Collection method: not provided. Allele origin: germline. Inheritance: Autosomal recessive inheritance. Affected: yes.

PreventionGenetics, part of Exact Sciences
Classification: Likely benign for ESPN-related condition. Last evaluated: 2024-09-03. Review status: no assertion criteria provided. Collection method: clinical testing. Allele origin: germline. Not counted in ClinVar's aggregate classification.
Comment: This variant is classified as likely benign based on ACMG/AMP sequence variant interpretation guidelines (Richards et al. 2015 PMID: 25741868, with internal and published modifications).